The following is an entry in ClinVar:

ClinVar aggregate classification (germline): Uncertain significance (1 of 4 stars; one submission).

Conditions:
Early-infantile DEE. Also called: Ohtahara syndrome; Early infantile epileptic encephalopathy; Early infantile epileptic encephalopathy with suppression bursts. Identifiers: Orphanet 1934, MedGen C0393706, MONDO:0800491.

Allele frequency attached by ClinVar (database versions not stated): gnomAD exomes below 0.00001; ExAC 0.00001.
gnomAD v4.1: 1 of 1,614,080 alleles (0.000062%); highest among the groups gnomAD compares: Non-Finnish European, 0.000085%; no homozygotes.

Submission:

Labcorp Genetics (formerly Invitae), Labcorp
Classification: Uncertain significance for Early-infantile DEE. Last evaluated: 2021-10-21. Review status: criteria provided, single submitter. Criteria: Invitae Variant Classification Sherloc (09022015). Collection method: clinical testing. Allele origin: germline.
Comment: In summary, the available evidence is currently insufficient to determine the role of this variant in disease. Therefore, it has been classified as a Variant of Uncertain Significance. Algorithms developed to predict the effect of missense changes on protein structure and function are either unavailable or do not agree on the potential impact of this missense change (SIFT: "Deleterious"; PolyPhen-2: "Probably Damaging"; Align-GVGD: "Class C0"). This variant has not been reported in the literature in individuals affected with CACNA2D2-related conditions. This variant is present in population databases (rs760340682, ExAC 0.002%). This sequence change replaces serine with leucine at codon 287 of the CACNA2D2 protein (p.Ser287Leu). The serine residue is moderately conserved and there is a large physicochemical difference between serine and leucine.

NM_006030.4(CACNA2D2):c.860C>T (p.Ser287Leu)

Gene: CACNA2D2 (calcium voltage-gated channel auxiliary subunit alpha2delta 2; minus strand). Cytogenetic location: 3p21.31.
Variant type: single nucleotide variant.
Coding change: c.860C>T on transcript NM_006030.4 (MANE Select); coding-DNA position 860, C replaced by T.
Protein change: p.Ser287Leu; replaces serine 287 with leucine.
Molecular consequence: missense variant.
Genome position (GRCh38, 1-based): chr3:50,380,001, G>A on the plus strand (C>T on the coding strand, the complement: CACNA2D2 is on the minus strand). VCF-style: chr3-50380001-G-A. GRCh37 (hg19) VCF-style: chr3-50417432-G-A.
Other names: c.860C>T, p.Ser287Leu (NM_001005505.3, NM_001174051.3); c.653C>T, p.Ser218Leu (NM_001291101.1); short protein forms S218L, S287L.
Identifiers: ClinVar variation 1488989 (VCV001488989.7), dbSNP rs760340682, ClinGen allele CA2419049.